The following is an entry in ClinVar:

GRCh37/hg19 18q22.3-23(chr18:71401603-78014123)x1

Genes: ADNP2 (ADNP homeobox 2; plus strand), ATP9B (ATPase phospholipid transporting 9B; plus strand), C18orf63 (chromosome 18 open reading frame 63; plus strand), CNDP1 (carnosine dipeptidase 1; plus strand), CNDP2 (carnosine dipeptidase 2; plus strand) and 23 more. Cytogenetic location: 18q22.3-23.
Variant type: copy number loss.
Change: copy number 1 (one copy instead of two) of chr18:71,401,603-78,014,123 (6.61 Mb, GRCh37 coordinates, 1-based), cytogenetic band 18q22.3-23.
Identifiers: ClinVar variation 2685626 (VCV002685626.2).

ClinVar aggregate classification (germline): Pathogenic (1 of 4 stars; one submission).

Submission:

Quest Diagnostics Nichols Institute San Juan Capistrano
Classification: Pathogenic. Last evaluated: 2025-06-04. Review status: criteria provided, single submitter. Criteria: ACMG/ClinGen CNV Guidelines, 2019. Collection method: clinical testing. Allele origin: unknown.
Comment: This 18q22.3q23 deletion falls within the larger region described for chromosome 18q deletion syndrome (OMIM 601808) (Cody 2015, Dostal 2009, Fabian 2023, Firth 2009, Margarit 2012, Tassano 2016). Several genes within the current loss are proposed to be causative of the phenotypes associated with 18q deletion syndrome, with variable expressivity noted (Eudy 2010, Fabian 2023, Feenstra 2011, Margarit 2012). There are no similar copy number losses spanning this region in the general populations of the Database of Genomic Variants. This copy number variant (CNV) is classified as pathogenic. References: Cody et al., Am J Med Genet C Semin Med Genet. 2015 Sep;169(3):265-80. PMID: 26235940 Dostal et al., J Craniomaxillofac Surg. 2009 Jul;37(5):272-5. PMID: 19157891 Eudy et al., Am J Med Genet A. 2010 Apr;152A(4):1046-8. PMID: 20358626 Fabian et al., Eur J Hum Genet. 2023 Jan;31(1):105-111. PMID: 36319675 Firth et al., Am J Hum Genet. 2009 Apr;84(4):524-33. PMID: 19344873 Feenstra et al., Am J Hum Genet. 2011 Dec 9;89(6):813-9. PMID: 22152683 Margarit et al., Am J Med Genet A. 2012 Mar;158A(3):611-6. PMID: 22302430 South et al., J Med Genet. 2008 Jun;45(6):391-5. PMID: 18413369 Tassano et al., Mol Cytogenet. 2016 Oct 10;9:78. PMID: 27766118